The following is an entry in ClinVar:

ClinVar aggregate classification (germline): Pathogenic (1 of 4 stars; one submission).

Conditions:
Pheochromocytoma. Also called: MAX-Related Hereditary Paraganglioma-Pheochromocytoma Syndrome. Identifiers: Orphanet 29072, MedGen C0031511, MONDO:0008233, OMIM 171300, HP:0002666.
Pheochromocytoma/paraganglioma syndrome 4. Also called: CAROTID BODY TUMORS AND MULTIPLE EXTRAADRENAL PHEOCHROMOCYTOMAS; PARAGANGLIOMA, FAMILIAL MALIGNANT; PARAGANGLIOMAS, HEREDITARY EXTRAADRENAL; PHEOCHROMOCYTOMA, FAMILIAL EXTRAADRENAL; Paragangliomas 4; SDHB-Related Hereditary Paraganglioma-Pheochromocytoma Syndrome (Paragangliomas 4). Identifiers: Orphanet 29072, MedGen C1861848, MONDO:0007273, OMIM 115310.
Gastrointestinal stromal tumor. Also called: Gastrointestinal stromal tumor, somatic; Gastrointestinal stroma tumor. Identifiers: Orphanet 44890, MedGen C0238198, MeSH D046152, MONDO:0011719, OMIM 606764, HP:0100723.

Submission:

Labcorp Genetics (formerly Invitae), Labcorp
Classification: Pathogenic for Gastrointestinal stromal tumor; Pheochromocytoma/paraganglioma syndrome 4; Pheochromocytoma. Last evaluated: 2024-05-12. Review status: criteria provided, single submitter. Criteria: Invitae Variant Classification Sherloc (09022015). Collection method: clinical testing. Allele origin: germline.
Comment: This sequence change creates a premature translational stop signal (p.Cys253Valfs*5) in the SDHB gene. While this is not anticipated to result in nonsense mediated decay, it is expected to disrupt the last 28 amino acid(s) of the SDHB protein. This variant is not present in population databases (gnomAD no frequency). This premature translational stop signal has been observed in individual(s) with pheochromocytoma (PMID: 20563860). This variant disrupts a region of the SDHB protein in which other variant(s) (p.Ile263Serfs*13) have been determined to be pathogenic (Invitae). This suggests that this is a clinically significant region of the protein, and that variants that disrupt it are likely to be disease-causing. For these reasons, this variant has been classified as Pathogenic.

Literature cited by the submitters: PubMed 20563860.

NM_003000.3(SDHB):c.757del (p.Cys253fs)

Gene: SDHB (succinate dehydrogenase complex iron sulfur subunit B; minus strand). Cytogenetic location: 1p36.13.
Variant type: Deletion.
Coding change: c.757del on transcript NM_003000.3 (MANE Select); coding-DNA position 757, one base deleted (T; older notation c.757delT).
Protein change: p.Cys253fs; shifts the reading frame from cysteine 253.
Molecular consequence: frameshift variant.
Genome position (GRCh38, 1-based): chr1:17,022,616, A deleted on the plus strand (T on the coding strand, the reverse complement: SDHB is on the minus strand). VCF-style (leftmost placement, unchanged base first): chr1-17022615-CA-C. GRCh37 (hg19) VCF-style: chr1-17349110-CA-C.
Other names: c.703del, p.Cys235fs (NM_001407361.1); short protein forms C235fs, C253fs.
Identifiers: ClinVar variation 3759014 (VCV003759014.2).